The following is an entry in ClinVar:

NM_002439.5(MSH3):c.1705A>G (p.Thr569Ala)

Gene: MSH3 (mutS homolog 3; plus strand). Cytogenetic location: 5q14.1.
Variant type: single nucleotide variant.
Coding change: c.1705A>G on transcript NM_002439.5 (MANE Select); coding-DNA position 1705, A replaced by G.
Protein change: p.Thr569Ala; replaces threonine 569 with alanine.
Molecular consequence: missense variant.
Genome position (GRCh38, 1-based): chr5:80,744,557, A>G. VCF-style: chr5-80744557-A-G. GRCh37 (hg19) VCF-style: chr5-80040376-A-G.
Other names: short protein forms T569A.
Identifiers: ClinVar variation 1052419 (VCV001052419.7), dbSNP rs772419130, ClinGen allele CA3328009.

ClinVar aggregate classification (germline): Uncertain significance (1 of 4 stars; one submission).

Allele frequency attached by ClinVar (database versions not stated): gnomAD exomes below 0.00001; ExAC 0.00001.
gnomAD v4.1: 1 of 1,613,972 alleles (0.000062%); highest among the groups gnomAD compares: South Asian, 0.0011%; no homozygotes.

Submission:

Labcorp Genetics (formerly Invitae), Labcorp
Classification: Uncertain significance. Last evaluated: 2021-11-15. Review status: criteria provided, single submitter. Criteria: Invitae Variant Classification Sherloc (09022015). Collection method: clinical testing. Allele origin: germline.
Comment: In summary, the available evidence is currently insufficient to determine the role of this variant in disease. Therefore, it has been classified as a Variant of Uncertain Significance. Algorithms developed to predict the effect of missense changes on protein structure and function are either unavailable or do not agree on the potential impact of this missense change (SIFT: "Deleterious"; PolyPhen-2: "Probably Damaging"; Align-GVGD: "Class C0"). ClinVar contains an entry for this variant (Variation ID: 1052419). This variant has not been reported in the literature in individuals affected with MSH3-related conditions. This variant is present in population databases (rs772419130, gnomAD 0.006%). This sequence change replaces threonine, which is neutral and polar, with alanine, which is neutral and non-polar, at codon 569 of the MSH3 protein (p.Thr569Ala).